The following is an entry in ClinVar:

NM_003190.5(TAPBP):c.935A>G (p.Glu312Gly)

Gene: TAPBP (TAP binding protein; minus strand). Cytogenetic location: 6p21.32.
Variant type: single nucleotide variant.
Coding change: c.935A>G on transcript NM_003190.5 (MANE Select); coding-DNA position 935, A replaced by G.
Protein change: p.Glu312Gly; replaces glutamic acid 312 with glycine.
Molecular consequence: missense variant.
Genome position (GRCh38, 1-based): chr6:33,304,572, T>C on the plus strand (A>G on the coding strand, the complement: TAPBP is on the minus strand). VCF-style: chr6-33304572-T-C. GRCh37 (hg19) VCF-style: chr6-33272349-T-C.
Other names: c.674A>G, p.Glu225Gly (NM_172209.3); c.935A>G, p.Glu312Gly (NM_001410875.1, NM_172208.3); short protein forms E225G, E312G.
Identifiers: ClinVar variation 2751999 (VCV002751999.3), dbSNP rs1203367501, ClinGen allele CA363689542.

ClinVar aggregate classification (germline): Uncertain significance (1 of 4 stars; one submission).

Conditions:
MHC class I deficiency. Identifiers: Orphanet 34592, MedGen C6024714, MONDO:0011476.

Submission:

Labcorp Genetics (formerly Invitae), Labcorp
Classification: Uncertain significance for MHC class I deficiency 1. Last evaluated: 2023-08-30. Review status: criteria provided, single submitter. Criteria: Invitae Variant Classification Sherloc (09022015). Collection method: clinical testing. Allele origin: germline.
Comment: This variant has not been reported in the literature in individuals affected with TAPBP-related conditions. This sequence change replaces glutamic acid, which is acidic and polar, with glycine, which is neutral and non-polar, at codon 312 of the TAPBP protein (p.Glu312Gly). This variant is not present in population databases (gnomAD no frequency). An algorithm developed to predict the effect of missense changes on protein structure and function (PolyPhen-2) suggests that this variant is likely to be disruptive. In summary, the available evidence is currently insufficient to determine the role of this variant in disease. Therefore, it has been classified as a Variant of Uncertain Significance.